The following is an entry in ClinVar:

ClinVar aggregate classification (germline): Uncertain significance (1 of 4 stars; one submission).

gnomAD v4.1: 7 of 1,611,756 alleles (0.00043%); highest among the groups gnomAD compares: Middle Eastern, 0.016%; no homozygotes.

Submission:

Labcorp Genetics (formerly Invitae), Labcorp
Classification: Uncertain significance. Last evaluated: 2025-03-20. Review status: criteria provided, single submitter. Criteria: Invitae Variant Classification Sherloc (09022015). Collection method: clinical testing. Allele origin: germline.
Comment: This sequence change falls in intron 9 of the COL11A1 gene. It does not directly change the encoded amino acid sequence of the COL11A1 protein. It affects a nucleotide within the consensus splice site. This variant is not present in population databases (gnomAD no frequency). This variant has not been reported in the literature in individuals affected with COL11A1-related conditions. Variants that disrupt the consensus splice site are a relatively common cause of aberrant splicing (PMID: 17576681, 9536098). Algorithms developed to predict the effect of sequence changes on RNA splicing suggest that this variant is not likely to affect RNA splicing. In summary, the available evidence is currently insufficient to determine the role of this variant in disease. Therefore, it has been classified as a Variant of Uncertain Significance.

Literature cited by the submitters: PubMed 17576681; PubMed 9536098.

NM_001854.4(COL11A1):c.1309-3T>C

Gene: COL11A1 (collagen type XI alpha 1 chain; minus strand). Cytogenetic location: 1p21.1.
Variant type: single nucleotide variant.
Coding change: c.1309-3T>C on transcript NM_001854.4 (MANE Select); 3 bases into the intron before coding-DNA position 1309, T replaced by C.
Molecular consequence: intron variant.
Genome position (GRCh38, 1-based): chr1:103,018,862, A>G on the plus strand (T>C on the coding strand, the complement: COL11A1 is on the minus strand). VCF-style: chr1-103018862-A-G. GRCh37 (hg19) VCF-style: chr1-103484418-A-G.
Other names: c.1192-3T>C (NM_001190709.2); c.1345-3T>C (NM_080629.3); c.961-3T>C (NM_080630.4).
Identifiers: ClinVar variation 4779854 (VCV004779854.1).